The following is an entry in ClinVar:

ClinVar aggregate classification (germline): Uncertain significance. Review status: reviewed by expert panel (3 of 4 stars). 3 submissions from 3 submitters: Uncertain significance (1). 2 of the submissions do not count toward it. Last evaluated 2025-07-01.

Conditions:
Long QT syndrome (LQTS). Identifiers: MedGen C0023976, MeSH D008133, MONDO:0002442. Disease mechanism: loss of function. Inheritance: Various modes of inheritance.
Long QT syndrome 1 (LQT1). Identifiers: Orphanet 101016, Orphanet 768, MedGen C4551647, MONDO:0100316, OMIM 192500, MONDO:0008646.

Allele frequency attached by ClinVar (database versions not stated): gnomAD 0.00001.
gnomAD v4.1: 2 of 1,613,700 alleles (0.00012%); highest among the groups gnomAD compares: Non-Finnish European, 0.00017%; no homozygotes.

Submissions (3):

ClinGen Potassium Channel Arrhythmia Variant Curation Expert Panel, ClinGen
Classification: Uncertain significance for Long QT syndrome 1. Last evaluated: 2025-07-01. Review status: reviewed by expert panel. Criteria: ClinGen KChannel ACMG Specifications KCNQ1 V1.0.0 2. Collection method: curation. Allele origin: germline. Inheritance: Autosomal dominant inheritance.
Comment: NM_000218.3(KCNQ1):c.817C>G (p.Leu273Val) is a missense variant in KCNQ1 that replaces leucine with valine at codon 273. This variant is present in gnomAD v.4.1.0 at a maximum allele frequency of 0.000001695, with 2 alleles / 1180024 total alleles in the European (non-Finnish) population, which is lower than the ClinGen Potassium Channel Arrhythmia VCEP PM2_Supporting threshold of <0.00001 (PM2_Supporting). Another missense variant NM_000218.3(KCNQ1):c.817C>T (p.Leu273Phe) in the same codon has been classified as likely pathogenic for long QT syndrome by the ClinGen Potassium Channel Arrhythmia VCEP, while no benign missense variants have been identified in this codon (PM5_Supporting). This residue has been confirmed to be highly conserved across all 5 human KCNQ paralogues, and SpliceAI has been used to confirm that neither variant has a predicted impact on KCNQ1 splicing. The computational predictor REVEL gives a score of 0.822, (which is above the threshold of 0.75, evidence that correlates with impact to KCNQ1 function (PP3). This variant has been shown to disrupt KCNQ1 function in at least three experimental assays, including Manual patch-clamp and Experimental/Structural/Functional Simulation (PS3_Moderate; PMID: 15649981, PMID: 29021305, PMID: 36674868). In summary, this variant meets the criteria to be classified as a variant of uncertain significance for long QT syndrome 1 based on the ACMG/AMP criteria applied, as specified by the ClinGen Potassium Channel Arrhythmia VCEP: PS3_Moderate, PM2_Supporting, PM5_Supporting, and PP3. (VCEP specifications version 1.0.0; date of approval 03/04/2025).

Labcorp Genetics (formerly Invitae), Labcorp
Classification: Likely pathogenic for Long QT syndrome. Last evaluated: 2025-10-15. Review status: criteria provided, single submitter. Criteria: Invitae Variant Classification Sherloc (09022015). Collection method: clinical testing. Allele origin: germline. Not counted in ClinVar's aggregate classification.
Comment: This sequence change replaces leucine, which is neutral and non-polar, with valine, which is neutral and non-polar, at codon 273 of the KCNQ1 protein (p.Leu273Val). This variant is present in population databases (no rsID available, gnomAD 0.01%). This missense change has been observed in individual(s) with KCNQ1-related conditions (PMID: 36674868). ClinVar contains an entry for this variant (Variation ID: 1950175). Invitae Evidence Modeling of protein sequence and biophysical properties (such as structural, functional, and spatial information, amino acid conservation, physicochemical variation, residue mobility, and thermodynamic stability) indicates that this missense variant is expected to disrupt KCNQ1 protein function with a positive predictive value of 95%. Experimental studies have shown that this missense change affects KCNQ1 function (PMID: 15649981, 36674868). This variant disrupts the p.Leu273 amino acid residue in KCNQ1. Other variant(s) that disrupt this residue have been determined to be pathogenic (PMID: 9323054, 10973849, 11278406, 15935335, 16922724, 22949429, 24372464). This suggests that this residue is clinically significant, and that variants that disrupt this residue are likely to be disease-causing. In summary, the currently available evidence indicates that the variant is pathogenic, but additional data are needed to prove that conclusively. Therefore, this variant has been classified as Likely Pathogenic.

GeneDx
Classification: Likely pathogenic. Last evaluated: 2023-12-04. Review status: criteria provided, single submitter. Criteria: GeneDx Variant Classification Process June 2021. Collection method: clinical testing. Allele origin: germline. Affected: yes. Not counted in ClinVar's aggregate classification.
Comment: In silico analysis supports that this missense variant has a deleterious effect on protein structure/function; Published functional studies suggest a damaging effect through loss of channel inactivation and loss of function of KCNE1 efficiency in gating KCNQ1 channels (PMID: 36674868); This variant is associated with the following publications: (PMID: 15649981, 36674868)

Literature cited by the submitters: PubMed 29021305 (cited by ClinGen Potassium Channel Arrhythmia Variant Curation Expert Panel, ClinGen); PubMed 36674868 (cited by Labcorp Genetics (formerly Invitae), Labcorp); PubMed 15649981 (cited by Labcorp Genetics (formerly Invitae), Labcorp); PubMed 9323054 (cited by Labcorp Genetics (formerly Invitae), Labcorp); PubMed 10973849 (cited by Labcorp Genetics (formerly Invitae), Labcorp); PubMed 11278406 (cited by Labcorp Genetics (formerly Invitae), Labcorp); PubMed 15935335 (cited by Labcorp Genetics (formerly Invitae), Labcorp); PubMed 16922724 (cited by Labcorp Genetics (formerly Invitae), Labcorp); PubMed 22949429 (cited by Labcorp Genetics (formerly Invitae), Labcorp); PubMed 24372464 (cited by Labcorp Genetics (formerly Invitae), Labcorp).

NM_000218.3(KCNQ1):c.817C>G (p.Leu273Val)

Gene: KCNQ1 (potassium voltage-gated channel subfamily Q member 1; plus strand). Cytogenetic location: 11p15.5.
Variant type: single nucleotide variant.
Coding change: c.817C>G on transcript NM_000218.3 (MANE Select); coding-DNA position 817, C replaced by G.
Protein change: p.Leu273Val; replaces leucine 273 with valine.
Molecular consequence: missense variant.
Genome position (GRCh38, 1-based): chr11:2,572,882, C>G. VCF-style: chr11-2572882-C-G. GRCh37 (hg19) VCF-style: chr11-2594112-C-G.
Other names: NM_000218.3(KCNQ1):c.817C>G; p.Leu273Val; c.817C>G, p.Leu273Val (NM_001406836.1); c.547C>G, p.Leu183Val (NM_001406837.1); c.436C>G, p.Leu146Val (NM_181798.2); short protein forms L146V, L273V, L183V.
Identifiers: ClinVar variation 1950175 (VCV001950175.7), dbSNP rs120074180, ClinGen allele CA379131380.